The following is an entry in ClinVar:

ClinVar aggregate classification (germline): Uncertain significance. Review status: criteria provided, single submitter (1 of 4 stars). 2 submissions from 2 submitters: Uncertain significance (1). 1 of the submissions does not count toward it. Last evaluated 2022-02-06.

Conditions:
Familial dysautonomia. Also called: FD; HSAN III. Identifiers: Orphanet 1764, MedGen C0013364, MONDO:0009131, OMIM 223900. Disease mechanism: loss of function.

Submissions (2):

Labcorp Genetics (formerly Invitae), Labcorp
Classification: Uncertain significance. Last evaluated: 2022-02-06. Review status: criteria provided, single submitter. Criteria: Invitae Variant Classification Sherloc (09022015). Collection method: clinical testing. Allele origin: germline.
Comment: This sequence change replaces glutamic acid, which is acidic and polar, with valine, which is neutral and non-polar, at codon 1260 of the ELP1 protein (p.Glu1260Val). This variant is not present in population databases (gnomAD no frequency). This variant has not been reported in the literature in individuals affected with ELP1-related conditions. ClinVar contains an entry for this variant (Variation ID: 942826). Algorithms developed to predict the effect of missense changes on protein structure and function (SIFT, PolyPhen-2, Align-GVGD) all suggest that this variant is likely to be tolerated. In summary, the available evidence is currently insufficient to determine the role of this variant in disease. Therefore, it has been classified as a Variant of Uncertain Significance.

Natera, Inc.
Classification: Uncertain significance for Familial dysautonomia. Last evaluated: 2020-09-22. Review status: no assertion criteria provided. Collection method: clinical testing. Allele origin: germline. Not counted in ClinVar's aggregate classification.

NM_003640.5(ELP1):c.3779A>T (p.Glu1260Val)

Gene: ELP1 (elongator acetyltransferase complex subunit 1; minus strand). Cytogenetic location: 9q31.3.
Variant type: single nucleotide variant.
Coding change: c.3779A>T on transcript NM_003640.5 (MANE Select); coding-DNA position 3779, A replaced by T.
Protein change: p.Glu1260Val; replaces glutamic acid 1260 with valine.
Molecular consequence: missense variant.
Genome position (GRCh38, 1-based): chr9:108,878,071, T>A on the plus strand (A>T on the coding strand, the complement: ELP1 is on the minus strand). VCF-style: chr9-108878071-T-A. GRCh37 (hg19) VCF-style: chr9-111640351-T-A.
Other names: c.3437A>T, p.Glu1146Val (NM_001318360.2); c.2732A>T, p.Glu911Val (NM_001330749.2); short protein forms E911V, E1146V, E1260V.
Identifiers: ClinVar variation 942826 (VCV000942826.8), dbSNP rs1827768156, ClinGen allele CA374410682.